The following is an entry in ClinVar:

NM_017514.5(PLXNA3):c.685G>A (p.Gly229Ser)

Gene: PLXNA3 (plexin A3; plus strand). Cytogenetic location: Xq28.
Variant type: single nucleotide variant.
Coding change: c.685G>A on transcript NM_017514.5 (MANE Select); coding-DNA position 685, G replaced by A.
Protein change: p.Gly229Ser; replaces glycine 229 with serine.
Molecular consequence: missense variant.
Genome position (GRCh38, 1-based): chrX:154,461,189, G>A. VCF-style: chrX-154461189-G-A. GRCh37 (hg19) VCF-style: chrX-153689529-G-A.
Other names: c.685G>A (NM_017514.3); short protein forms G229S.
Identifiers: ClinVar variation 2635975 (VCV002635975.4), dbSNP rs149423704, ClinGen allele CA10563782.
Genomic context (GRCh38, chrX:154,461,189, plus strand): 5'-ATCAAGATCCCCTCAGACACGCTGTCCTTGTACCCTGCCTTTGACATCTACTACATCTAC[G>A]GCTTCGTCAGCGCCTCCTTCGTGTACTTCCTGACGCTGCAGCTGGACACCCAGCAGACGC-3'
Protein context (NP_059984.3, residues 219-239): YPAFDIYYIY[Gly229Ser]FVSASFVYFL

ClinVar aggregate classification (germline): Uncertain significance. Review status: criteria provided, single submitter (1 of 4 stars). 2 submissions from 2 submitters: Uncertain significance (1). 1 of the submissions does not count toward it. Last evaluated 2024-01-08.

Conditions:
PLXNA3-related disorder. Also called: PLXNA3-related condition.

Allele frequency attached by ClinVar (database versions not stated): gnomAD 0.00022; TOPMed 0.00023; ESP Exome Variant Server 0.00028.

Submissions (2):

Ambry Genetics
Classification: Uncertain significance. Last evaluated: 2024-01-08. Review status: criteria provided, single submitter. Criteria: Ambry Variant Classification Scheme 2023. Collection method: clinical testing. Allele origin: germline.

PreventionGenetics, part of Exact Sciences
Classification: Likely benign for PLXNA3-related condition. Last evaluated: 2023-12-01. Review status: no assertion criteria provided. Collection method: clinical testing. Allele origin: germline. Not counted in ClinVar's aggregate classification.
Comment: This variant is classified as likely benign based on ACMG/AMP sequence variant interpretation guidelines (Richards et al. 2015 PMID: 25741868, with internal and published modifications).